The following is an entry in ClinVar:

NM_001292034.3(TAB2):c.508C>A (p.Gln170Lys)

Gene: TAB2 (TGF-beta activated kinase 1 (MAP3K7) binding protein 2; plus strand). Cytogenetic location: 6q25.1.
Variant type: single nucleotide variant.
Coding change: c.508C>A on transcript NM_001292034.3 (MANE Select); coding-DNA position 508, C replaced by A.
Protein change: p.Gln170Lys; replaces glutamine 170 with lysine.
Molecular consequence: missense variant.
Genome position (GRCh38, 1-based): chr6:149,378,423, C>A. VCF-style: chr6-149378423-C-A. GRCh37 (hg19) VCF-style: chr6-149699559-C-A.
Other names: c.412C>A, p.Gln138Lys (NM_001292035.3); c.508C>A, p.Gln170Lys (NM_001369506.1, NM_015093.6); c.508C>A (NM_015093.4); short protein forms Q138K, Q170K.
Identifiers: ClinVar variation 2636950 (VCV002636950.2), dbSNP rs2483386574, ClinGen allele CA365994762.

ClinVar aggregate classification (germline): Uncertain significance. Review status: criteria provided, multiple submitters, no conflicts (2 of 4 stars). 2 submissions from 2 submitters: Uncertain significance (2). Last evaluated 2025-06-17.

Conditions:
TAB2-related disorder.
Inborn genetic diseases. Identifiers: MedGen C0950123, MeSH D030342.

Submissions (2):

Ambry Genetics
Classification: Uncertain significance for Inborn genetic diseases. Last evaluated: 2025-06-17. Review status: criteria provided, single submitter. Criteria: Ambry Variant Classification Scheme 2023. Collection method: clinical testing. Allele origin: germline.

PreventionGenetics, part of Exact Sciences
Classification: Uncertain significance for TAB2-related condition. Last evaluated: 2022-09-20. Review status: criteria provided, single submitter. Criteria: ACMG Guidelines, 2015. Collection method: clinical testing. Allele origin: germline.
Comment: The TAB2 c.508C>A variant is predicted to result in the amino acid substitution p.Gln170Lys. To our knowledge, this variant has not been reported in the literature or in a large population database, indicating this variant is rare. At this time, the clinical significance of this variant is uncertain due to the absence of conclusive functional and genetic evidence.